The following is an entry in ClinVar:

NM_003924.4(PHOX2B):c.750G>T (p.Ala250=)

Genes: PHOX2B (paired like homeobox 2B; minus strand), LOC110011216 (paired like homeobox 2b polyalanine repeat instability region; plus strand). Cytogenetic location: 4p13.
Variant type: single nucleotide variant.
Coding change: c.750G>T on transcript NM_003924.4 (MANE Select); coding-DNA position 750, G replaced by T.
Protein change: p.Ala250=; no amino-acid change (alanine 250 retained).
Molecular consequence: synonymous variant.
Genome position (GRCh38, 1-based): chr4:41,746,002, C>A on the plus strand (G>T on the coding strand, the complement: PHOX2B is on the minus strand). VCF-style: chr4-41746002-C-A. GRCh37 (hg19) VCF-style: chr4-41748019-C-A.
Identifiers: ClinVar variation 1079819 (VCV001079819.13), dbSNP rs17882335, ClinGen allele CA439143048.

ClinVar aggregate classification (germline): Likely benign. Review status: criteria provided, multiple submitters, no conflicts (2 of 4 stars). 3 submissions from 3 submitters: Likely benign (2). 1 of the submissions does not count toward it. Last evaluated 2023-09-26.

Conditions:
Hereditary cancer-predisposing syndrome. Also called: Hereditary Cancer Syndrome; Hereditary neoplastic syndrome; Tumor predisposition; Neoplastic Syndromes, Hereditary. Identifiers: Orphanet 140162, MedGen C0027672, MeSH D009386, MONDO:0015356.
PHOX2B-related disorder. Also called: PHOX2B-related condition.
Haddad syndrome (OHD). Also called: Ondine-Hirschsprung disease. Identifiers: Orphanet 99803, MedGen C1859049, MONDO:0020493.

Submissions (3):

Labcorp Genetics (formerly Invitae), Labcorp
Classification: Likely benign for Haddad syndrome. Last evaluated: 2023-09-26. Review status: criteria provided, single submitter. Criteria: Invitae Variant Classification Sherloc (09022015). Collection method: clinical testing. Allele origin: germline.

Ambry Genetics
Classification: Likely benign for Hereditary cancer-predisposing syndrome. Last evaluated: 2022-07-25. Review status: criteria provided, single submitter. Criteria: Ambry Variant Classification Scheme 2023. Collection method: clinical testing. Allele origin: germline.

PreventionGenetics, part of Exact Sciences
Classification: Likely benign for PHOX2B-related condition. Last evaluated: 2020-07-20. Review status: no assertion criteria provided. Collection method: clinical testing. Allele origin: germline. Not counted in ClinVar's aggregate classification.
Comment: This variant is classified as likely benign based on ACMG/AMP sequence variant interpretation guidelines (Richards et al. 2015 PMID: 25741868, with internal and published modifications).